The following is an entry in ClinVar:

NM_002734.5(PRKAR1A):c.786G>A (p.Trp262Ter)

Gene: PRKAR1A (protein kinase cAMP-dependent type I regulatory subunit alpha; plus strand). Cytogenetic location: 17q24.2.
Variant type: single nucleotide variant.
Coding change: c.786G>A on transcript NM_002734.5 (MANE Select); coding-DNA position 786, G replaced by A.
Protein change: p.Trp262Ter; replaces tryptophan 262 with a stop codon.
Molecular consequence: nonsense.
Genome position (GRCh38, 1-based): chr17:68,528,886, G>A. VCF-style: chr17-68528886-G-A. GRCh37 (hg19) VCF-style: chr17-66525027-G-A.
Other names: c.786G>A, p.Trp262Ter (NM_001276289.2, NM_001276290.1, NM_001278433.2 and 4 more transcripts); short protein forms W262*.
Identifiers: ClinVar variation 2021392 (VCV002021392.4), dbSNP rs2509437298, ClinGen allele CA400753815.
Genomic context (GRCh38, chr17:68,528,886, plus strand): 5'-GCACCAAATAATACAGAGCAGTTATTTTGATTCTTGTCTTTCAGAGTCTCTGGACAAGTG[G>A]GAACGTCTTACGGTAGCTGATGCATTGGAACCAGTGCAGTTTGAAGATGGGCAGAAGATT-3'

ClinVar aggregate classification (germline): Pathogenic (1 of 4 stars; one submission).

Conditions:
Carney complex, type 1 (CNC1). Also called: CARNEY MYXOMA-ENDOCRINE COMPLEX; CARNEY COMPLEX, TYPE I. Identifiers: Orphanet 1359, MedGen C2607929, MONDO:0008057, OMIM 160980.

Submission:

Labcorp Genetics (formerly Invitae), Labcorp
Classification: Pathogenic for Carney complex, type 1. Last evaluated: 2022-08-03. Review status: criteria provided, single submitter. Criteria: Invitae Variant Classification Sherloc (09022015). Collection method: clinical testing. Allele origin: germline.
Comment: This sequence change creates a premature translational stop signal (p.Trp262*) in the PRKAR1A gene. It is expected to result in an absent or disrupted protein product. Loss-of-function variants in PRKAR1A are known to be pathogenic (PMID: 11115848, 19293268). For these reasons, this variant has been classified as Pathogenic. This variant has not been reported in the literature in individuals affected with PRKAR1A-related conditions. This variant is not present in population databases (gnomAD no frequency).

Literature cited by the submitters: PubMed 11115848; PubMed 19293268.